The following is an entry in ClinVar:

NM_002295.6(RPSA):c.404C>T (p.Thr135Met)

Gene: RPSA (ribosomal protein SA; plus strand). Cytogenetic location: 3p22.1.
Variant type: single nucleotide variant.
Coding change: c.404C>T on transcript NM_002295.6 (MANE Select); coding-DNA position 404, C replaced by T.
Protein change: p.Thr135Met; replaces threonine 135 with methionine.
Molecular consequence: missense variant.
Genome position (GRCh38, 1-based): chr3:39,410,905, C>T. VCF-style: chr3-39410905-C-T. GRCh37 (hg19) VCF-style: chr3-39452396-C-T.
Other names: c.419C>T, p.Thr140Met (NM_001304288.2); short protein forms T135M, T140M.
Identifiers: ClinVar variation 1463831 (VCV001463831.8), dbSNP rs1033871561, ClinGen allele CA73044938.

ClinVar aggregate classification (germline): Uncertain significance (1 of 4 stars; one submission).

Allele frequency attached by ClinVar (database versions not stated): gnomAD 0.00001; gnomAD exomes 0.00001; TOPMed 0.00002.
gnomAD v4.1: 22 of 1,587,876 alleles (0.0014%); highest among the groups gnomAD compares: Non-Finnish European, 0.0016%; no homozygotes.

Submission:

Labcorp Genetics (formerly Invitae), Labcorp
Classification: Uncertain significance. Last evaluated: 2024-12-09. Review status: criteria provided, single submitter. Criteria: Invitae Variant Classification Sherloc (09022015). Collection method: clinical testing. Allele origin: germline.
Comment: This sequence change replaces threonine, which is neutral and polar, with methionine, which is neutral and non-polar, at codon 135 of the RPSA protein (p.Thr135Met). This variant is present in population databases (no rsID available, gnomAD 0.008%). This variant has not been reported in the literature in individuals affected with RPSA-related conditions. ClinVar contains an entry for this variant (Variation ID: 1463831). Invitae Evidence Modeling of protein sequence and biophysical properties (such as structural, functional, and spatial information, amino acid conservation, physicochemical variation, residue mobility, and thermodynamic stability) indicates that this missense variant is not expected to disrupt RPSA protein function with a negative predictive value of 80%. In summary, the available evidence is currently insufficient to determine the role of this variant in disease. Therefore, it has been classified as a Variant of Uncertain Significance.